The following is an entry in ClinVar:

NM_000530.8(MPZ):c.172G>T (p.Val58Phe)

Gene: MPZ (myelin protein zero; minus strand). Cytogenetic location: 1q23.3.
Variant type: single nucleotide variant.
Coding change: c.172G>T on transcript NM_000530.8 (MANE Select); coding-DNA position 172, G replaced by T.
Protein change: p.Val58Phe; replaces valine 58 with phenylalanine.
Molecular consequence: missense variant.
Genome position (GRCh38, 1-based): chr1:161,307,320, C>A on the plus strand (G>T on the coding strand, the complement: MPZ is on the minus strand). VCF-style: chr1-161307320-C-A. GRCh37 (hg19) VCF-style: chr1-161277110-C-A.
Other names: c.172G>T (LRG_256t1); c.172G>T, p.Val58Phe (NM_001315491.2); short protein forms V58F.
Identifiers: ClinVar variation 531691 (VCV000531691.10), dbSNP rs1341175303, ClinGen allele CA343350866.

ClinVar aggregate classification (germline): Uncertain significance. Review status: criteria provided, multiple submitters, no conflicts (2 of 4 stars). 3 submissions from 3 submitters: Uncertain significance (2). 1 of the submissions does not count toward it. Last evaluated 2025-03-18.

Conditions:
Charcot-Marie-Tooth disease, type I (CMT1). Also called: Charcot-Marie-Tooth disease type 1; Charcot-Marie-Tooth, Type 1. Identifiers: Orphanet 65753, MedGen C0751036, MONDO:0019011.
Inborn genetic diseases. Identifiers: MedGen C0950123, MeSH D030342.
Charcot-Marie-Tooth disease. Also called: Charcot-Marie-Tooth Neuropathy; Charcot-Marie-Tooth Hereditary Neuropathy. Identifiers: Orphanet 166, MedGen C0007959, MONDO:0015626.

Submissions (3):

Labcorp Genetics (formerly Invitae), Labcorp
Classification: Uncertain significance for Charcot-Marie-Tooth disease, type I. Last evaluated: 2025-03-18. Review status: criteria provided, single submitter. Criteria: Invitae Variant Classification Sherloc (09022015). Collection method: clinical testing. Allele origin: germline.
Comment: This sequence change replaces valine, which is neutral and non-polar, with phenylalanine, which is neutral and non-polar, at codon 58 of the MPZ protein (p.Val58Phe). This variant is not present in population databases (gnomAD no frequency). This missense change has been observed in individual(s) with Charcot-Marie-Tooth disease, type 1 (PMID: 9452099). ClinVar contains an entry for this variant (Variation ID: 531691). Invitae Evidence Modeling of protein sequence and biophysical properties (such as structural, functional, and spatial information, amino acid conservation, physicochemical variation, residue mobility, and thermodynamic stability) indicates that this missense variant is not expected to disrupt MPZ protein function with a negative predictive value of 80%. This variant disrupts the p.Val58 amino acid residue in MPZ. Other variant(s) that disrupt this residue have been observed in individuals with MPZ-related conditions (PMID: 15050444), which suggests that this may be a clinically significant amino acid residue. In summary, the available evidence is currently insufficient to determine the role of this variant in disease. Therefore, it has been classified as a Variant of Uncertain Significance.

Ambry Genetics
Classification: Uncertain significance for Inborn genetic diseases. Last evaluated: 2023-11-07. Review status: criteria provided, single submitter. Criteria: Ambry Variant Classification Scheme 2023. Collection method: clinical testing. Allele origin: germline.

Inherited Neuropathy Consortium
Classification: Uncertain significance for Charcot-Marie-Tooth disease. Review status: no assertion criteria provided. Collection method: literature only. Allele origin: germline. Affected: yes. Not counted in ClinVar's aggregate classification.

Literature cited by the submitters: PubMed 9452099 (cited by 3 submitters); PubMed 15050444 (cited by Labcorp Genetics (formerly Invitae), Labcorp).